The following is an entry in ClinVar:

ClinVar aggregate classification (germline): Benign (1 of 4 stars; one submission).

Conditions:
Triglyceride storage disease with ichthyosis (CDS). Also called: Dorfman-Chanarin disease; ICHTHYOSIFORM ERYTHRODERMA WITH LEUKOCYTE VACUOLATION; TRIGLYCERIDE STORAGE DISEASE WITH IMPAIRED LONG-CHAIN FATTY ACID OXIDATION; Chanarin-Dorfman Syndrome. Identifiers: Orphanet 98907, MedGen C0268238, MONDO:0010155, OMIM 275630.

Allele frequency attached by ClinVar (database versions not stated): gnomAD 0.00937 and 0.00900; TOPMed 0.01027; 1000 Genomes Project 30x 0.00640; 1000 Genomes Project 0.00659.

Submission:

Illumina Laboratory Services, Illumina
Classification: Benign for Triglyceride storage disease with ichthyosis. Last evaluated: 2018-01-12. Review status: criteria provided, single submitter. Criteria: ICSL Variant Classification Criteria 13 December 2019. Collection method: clinical testing. Allele origin: germline.
Comment: This variant was observed in the ICSL laboratory as part of a predisposition screen in an ostensibly healthy population. It had not been previously curated by ICSL or reported in the Human Gene Mutation Database (HGMD: prior to June 1st, 2018), and was therefore a candidate for classification through an automated scoring system. Utilizing variant allele frequency, disease prevalence and penetrance estimates, and inheritance mode, an automated score was calculated to assess if this variant is too frequent to cause the disease. Based on the score and internal cut-off values, a variant classified as benign is not then subjected to further curation. The score for this variant resulted in a classification of benign for this disease.

NM_016006.6(ABHD5):c.*2137A>G

Gene: ABHD5 (abhydrolase domain containing 5, lysophosphatidic acid acyltransferase; plus strand). Cytogenetic location: 3p21.33.
Variant type: single nucleotide variant.
Coding change: c.*2137A>G on transcript NM_016006.6 (MANE Select); 2137 bases downstream of the stop codon, A replaced by G.
Molecular consequence: 3 prime UTR variant. On other transcripts: non-coding transcript variant (1), intron variant (1).
Genome position (GRCh38, 1-based): chr3:43,720,669, A>G. VCF-style: chr3-43720669-A-G. GRCh37 (hg19) VCF-style: chr3-43762161-A-G.
Other names: c.*2137A>G (NM_001365649.1); c.*2163A>G (NM_001365650.1); c.29+2108A>G (NM_001355186.2).
Identifiers: ClinVar variation 345258 (VCV000345258.5), dbSNP rs144521114, ClinGen allele CA10615897.
Genomic context (GRCh38, chr3:43,720,669, plus strand): 5'-TTTCTTAAAAATCTAGTACAGCATTTGATCTTTGTTATGCACAGCATACTTTTATTTTAC[A>G]GAATAAATTTTCCTGTGATAGTCACAACAAGACAGCTGTATAGTTTCTTGAGTCTTTTGT-3'